The following is an entry in ClinVar:

NM_015072.5(TTLL5):c.1453A>C (p.Ile485Leu)

Gene: TTLL5 (tubulin tyrosine ligase like 5; plus strand). Cytogenetic location: 14q24.3.
Variant type: single nucleotide variant.
Coding change: c.1453A>C on transcript NM_015072.5 (MANE Select); coding-DNA position 1453, A replaced by C.
Protein change: p.Ile485Leu; replaces isoleucine 485 with leucine.
Molecular consequence: missense variant.
Genome position (GRCh38, 1-based): chr14:75,745,547, A>C. VCF-style: chr14-75745547-A-C. GRCh37 (hg19) VCF-style: chr14-76211890-A-C.
Other names: short protein forms I485L.
Identifiers: ClinVar variation 1495561 (VCV001495561.9), dbSNP rs770110882, ClinGen allele CA390465752.

ClinVar aggregate classification (germline): Uncertain significance. Review status: criteria provided, single submitter (1 of 4 stars). 2 submissions from 2 submitters: Uncertain significance (1). 1 of the submissions does not count toward it. Last evaluated 2022-06-27.

Conditions:
Retinal dystrophy. Also called: Inherited retinal dystrophy. Identifiers: Orphanet 71862, MedGen C0854723, MeSH D058499, MONDO:0019118, HP:0000556.

Allele frequency attached by ClinVar (database versions not stated): gnomAD 0.00001.
gnomAD v4.1: 2 of 1,613,862 alleles (0.00012%); highest among the groups gnomAD compares: African/African-American, 0.0027%; no homozygotes.

Submissions (2):

Labcorp Genetics (formerly Invitae), Labcorp
Classification: Uncertain significance. Last evaluated: 2022-06-27. Review status: criteria provided, single submitter. Criteria: Invitae Variant Classification Sherloc (09022015). Collection method: clinical testing. Allele origin: germline.
Comment: In summary, the available evidence is currently insufficient to determine the role of this variant in disease. Therefore, it has been classified as a Variant of Uncertain Significance. This sequence change replaces isoleucine, which is neutral and non-polar, with leucine, which is neutral and non-polar, at codon 485 of the TTLL5 protein (p.Ile485Leu). This variant is present in population databases (no rsID available, gnomAD 0.004%). This variant has not been reported in the literature in individuals affected with TTLL5-related conditions. Algorithms developed to predict the effect of missense changes on protein structure and function are either unavailable or do not agree on the potential impact of this missense change (SIFT: "Deleterious"; PolyPhen-2: "Benign"; Align-GVGD: "Class C0").

Institute of Human Genetics, Univ. Regensburg, Univ. Regensburg
Classification: Uncertain significance for Retinal dystrophy. Last evaluated: 2022-01-01. Review status: no assertion criteria provided. Criteria: ACMG Guidelines, 2015. Collection method: clinical testing. Allele origin: germline. Affected: yes. Not counted in ClinVar's aggregate classification.